The following is an entry in ClinVar:

NM_001378418.1(TCF20):c.5430AGC[1] (p.Ala1812del)

Gene: TCF20 (transcription factor 20; minus strand). Cytogenetic location: 22q13.2.
Variant type: Microsatellite.
Coding change: c.5430AGC[1] on transcript NM_001378418.1 (MANE Select); one copy of the 3-base unit AGC starting at c.5430; the reference has two copies in a row; one copy, 3 bases deleted.
Protein change: p.Ala1812del; deletes alanine 1812.
Genome position (GRCh38, 1-based): chr22:42,209,871-42,209,873, GCT deleted on the plus strand (AGC on the coding strand, the reverse complement: TCF20 is on the minus strand); deleting any 3 consecutive bases within chr22:42,209,871-42,209,876 gives the same sequence; the position shown is the placement nearest the transcript's 3' end. VCF-style (leftmost placement, unchanged base first): chr22-42209870-GGCT-G. GRCh37 (hg19) VCF-style: chr22-42605876-GGCT-G.
Other names: c.5430AGC[1], p.Ala1812del (NM_005650.4, NM_181492.3); short protein forms A1812del.
Identifiers: ClinVar variation 4085305 (VCV004085305.8).

ClinVar aggregate classification (germline): Uncertain significance (1 of 4 stars; one submission).

Submission:

CeGaT Center for Human Genetics Tuebingen
Classification: Uncertain significance. Last evaluated: 2025-07-01. Review status: criteria provided, single submitter. Criteria: CeGaT Center For Human Genetics Tuebingen Variant Classification Criteria Version 2. Collection method: clinical testing. Allele origin: germline. Affected: yes. Observed: 1 variant allele.
Comment: TCF20: PM4:Supporting